The following is an entry in ClinVar:

ClinVar aggregate classification (germline): Uncertain significance. Review status: criteria provided, multiple submitters, no conflicts (2 of 4 stars). 3 submissions from 3 submitters: Uncertain significance (2). 1 of the submissions does not count toward it. Last evaluated 2024-12-10.

Conditions:
Nemaline myopathy 2 (NEM2). Also called: Nemaline myopathy 2, autosomal recessive. Identifiers: MedGen C1850569, MONDO:0009725, OMIM 256030.
Inborn genetic diseases. Identifiers: MedGen C0950123, MeSH D030342.

Allele frequency attached by ClinVar (database versions not stated): gnomAD 0.00001; gnomAD exomes 0.00002 and 0.00003; TOPMed 0.00002; ExAC 0.00003.
gnomAD v4.1: 46 of 1,613,134 alleles (0.0029%); highest among the groups gnomAD compares: Non-Finnish European, 0.0037%; no homozygotes.

Submissions (3):

Ambry Genetics
Classification: Uncertain significance for Inborn genetic diseases. Last evaluated: 2024-12-10. Review status: criteria provided, single submitter. Criteria: Ambry Variant Classification Scheme 2023. Collection method: clinical testing. Allele origin: germline.

Labcorp Genetics (formerly Invitae), Labcorp
Classification: Uncertain significance for Nemaline myopathy 2. Last evaluated: 2022-06-02. Review status: criteria provided, single submitter. Criteria: Invitae Variant Classification Sherloc (09022015). Collection method: clinical testing. Allele origin: germline.
Comment: This sequence change replaces isoleucine, which is neutral and non-polar, with threonine, which is neutral and polar, at codon 6181 of the NEB protein (p.Ile6181Thr). This variant is present in population databases (rs764500250, gnomAD 0.009%). This variant has not been reported in the literature in individuals affected with NEB-related conditions. ClinVar contains an entry for this variant (Variation ID: 663534). Algorithms developed to predict the effect of missense changes on protein structure and function are either unavailable or do not agree on the potential impact of this missense change (SIFT: "Deleterious"; PolyPhen-2: "Not Available"; Align-GVGD: "Class C0"). In summary, the available evidence is currently insufficient to determine the role of this variant in disease. Therefore, it has been classified as a Variant of Uncertain Significance.

Natera, Inc.
Classification: Uncertain significance for Nemaline myopathy type 2. Last evaluated: 2020-08-05. Review status: no assertion criteria provided. Collection method: clinical testing. Allele origin: germline. Not counted in ClinVar's aggregate classification.

NM_001164508.2(NEB):c.18542T>C (p.Ile6181Thr)

Gene: NEB (nebulin; minus strand). Cytogenetic location: 2q23.3.
Variant type: single nucleotide variant.
Coding change: c.18542T>C on transcript NM_001164508.2 (MANE Select); coding-DNA position 18542, T replaced by C.
Protein change: p.Ile6181Thr; replaces isoleucine 6181 with threonine.
Molecular consequence: missense variant.
Genome position (GRCh38, 1-based): chr2:151,563,860, A>G on the plus strand (T>C on the coding strand, the complement: NEB is on the minus strand). VCF-style: chr2-151563860-A-G. GRCh37 (hg19) VCF-style: chr2-152420374-A-G.
Other names: c.18542T>C, p.Ile6181Thr (NM_001164507.2, NM_001271208.2); c.13439T>C, p.Ile4480Thr (NM_004543.5); c.13439T>C (NM_004543.4); short protein forms I6181T, I4480T.
Identifiers: ClinVar variation 663534 (VCV000663534.10), dbSNP rs764500250, ClinGen allele CA1907934.